The following is an entry in ClinVar:

NM_025137.4(SPG11):c.7249_7251delinsCTGTT (p.Glu2417fs)

Gene: SPG11 (SPG11 vesicle trafficking associated, spatacsin; minus strand). Cytogenetic location: 15q21.1.
Variant type: Indel.
Coding change: c.7249_7251delinsCTGTT on transcript NM_025137.4 (MANE Select); coding-DNA positions 7249 to 7251, GAA replaced by CTGTT.
Protein change: p.Glu2417fs; shifts the reading frame from glutamic acid 2417.
Molecular consequence: frameshift variant.
Genome position (GRCh38, 1-based): chr15:44,563,202-44,563,204, TTC replaced by AACAG on the plus strand (GAA replaced by CTGTT on the coding strand, the reverse complement: SPG11 is on the minus strand). VCF-style: chr15-44563202-TTC-AACAG. GRCh37 (hg19) VCF-style: chr15-44855400-TTC-AACAG.
Other names: c.6910_6912delinsCTGTT, p.Glu2304fs (NM_001160227.2); short protein forms E2417fs, E2304fs.
Identifiers: ClinVar variation 219637 (VCV000219637.1), dbSNP rs864622190, ClinGen allele CA350218.
Genomic context (GRCh38, chr15:44,563,202, plus strand): 5'-TAGACAGCAACCTGTCTGAGGGTCCTTCAGAAGCACATTTACAATTTCATAAAACTTGTG[TTC>AACAG]GTATGCCAACTTGTAATACAGGTAAACATCTTCACAATATGTGAGTAATTTCTTCAGGTT-3'

ClinVar aggregate classification (germline): Uncertain significance (1 of 4 stars; one submission).

Conditions:
Hereditary spastic paraplegia 11. Also called: Nakamura Osame syndrome; Autosomal recessive hereditary spastic paraplegia, mental impairment, and thin corpus callosum; Spastic Paraplegia 11; SPASTIC PARAPLEGIA, AUTOSOMAL RECESSIVE, COMPLICATED, WITH THIN CORPUS CALLOSUM; SPASTIC PARAPLEGIA, AUTOSOMAL RECESSIVE, WITH MENTAL IMPAIRMENT AND THIN CORPUS CALLOSUM; Spastic paraplegia, mental retardation and thin corpus callosum. Identifiers: Orphanet 2822, MedGen C1858479, MONDO:0011445, OMIM 604360.

Submission:

Labcorp Genetics (formerly Invitae), Labcorp
Classification: Uncertain significance for Hereditary spastic paraplegia 11. Last evaluated: 2015-07-28. Review status: criteria provided, single submitter. Criteria: Invitae Variant Classification Sherloc (09022015). Collection method: clinical testing. Allele origin: germline.
Comment: This sequence change deletes 5 and inserts 3 nucleotides in exon 40 of the SPG11 mRNA (c.7249_7251delinsCTGTT), causing a frameshift at codon 2417. This creates a premature translational stop signal in the last exon of the SPG11 mRNA (p.Glu2417Leufs*9). While this is not anticipated to result in nonsense mediated decay, it is expected to disrupt the last 27 codons and result in a truncated SPG11 protein. While this particular variant has not been reported in the literature, truncating variants in SPG11 are known to be pathogenic (PMID: 18079167). In summary, this is a novel truncating variant. However, it occurs near the end of the coding sequence and is not expected to result in nonsense mediated decay. For these reasons, this change has been classified as a Variant of Uncertain Significance.